The following is an entry in ClinVar:

NM_001134831.2(AHI1):c.1272T>G (p.Ile424Met)

Gene: AHI1 (Abelson helper integration site 1; minus strand). Cytogenetic location: 6q23.3.
Variant type: single nucleotide variant.
Coding change: c.1272T>G on transcript NM_001134831.2 (MANE Select); coding-DNA position 1272, T replaced by G.
Protein change: p.Ile424Met; replaces isoleucine 424 with methionine.
Molecular consequence: missense variant.
Genome position (GRCh38, 1-based): chr6:135,455,806, A>C on the plus strand (T>G on the coding strand, the complement: AHI1 is on the minus strand). VCF-style: chr6-135455806-A-C. GRCh37 (hg19) VCF-style: chr6-135776944-A-C.
Other names: c.1272T>G, p.Ile424Met (NM_001134830.2, NM_001134832.2, NM_001350503.2 and 2 more transcripts); c.1272T>G (NM_017651.4); short protein forms I424M.
Identifiers: ClinVar variation 1006326 (VCV001006326.11), dbSNP rs752889085, ClinGen allele CA4012630.

ClinVar aggregate classification (germline): Uncertain significance. Review status: criteria provided, multiple submitters, no conflicts (2 of 4 stars). 3 submissions from 3 submitters: Uncertain significance (3). Last evaluated 2026-08-31.

Conditions:
AHI1-related disorder. Also called: AHI1-related condition.
Joubert syndrome. Also called: Familial aplasia of the vermis; JOUBERT-BOLTSHAUSER SYNDROME. Identifiers: Orphanet 475, MedGen C5979921, MONDO:0018772.
Joubert syndrome 3 (JBTS3). Also called: AHI1-related Ciliopathy. Identifiers: Orphanet 220493, MedGen C1837713, MONDO:0012078, OMIM 608629.

Allele frequency attached by ClinVar (database versions not stated): gnomAD exomes 0.00002 and 0.00003; TOPMed 0.00002; ExAC 0.00003.
gnomAD v4.1: 49 of 1,602,014 alleles (0.0031%); highest among the groups gnomAD compares: Non-Finnish European, 0.0039%; no homozygotes.

Submissions (3):

PreventionGenetics, part of Exact Sciences
Classification: Uncertain significance for AHI1-related condition. Last evaluated: 2026-08-31. Review status: criteria provided, single submitter. Criteria: ACMG Guidelines, 2015. Collection method: clinical testing. Allele origin: germline.
Comment: The AHI1 c.1272T>G variant is predicted to result in the amino acid substitution p.Ile424Met. To our knowledge, this variant has not been reported in the literature. This variant is reported in 0.0039% of alleles in individuals of European (Non-Finnish) descent in gnomAD. At this time, the clinical significance of this variant is uncertain due to the absence of conclusive functional and genetic evidence.

Fulgent Genetics
Classification: Uncertain significance for Joubert syndrome 3. Last evaluated: 2024-04-20. Review status: criteria provided, single submitter. Criteria: ACMG Guidelines, 2015. Collection method: clinical testing. Allele origin: germline.

Labcorp Genetics (formerly Invitae), Labcorp
Classification: Uncertain significance for Joubert syndrome. Last evaluated: 2022-08-23. Review status: criteria provided, single submitter. Criteria: Invitae Variant Classification Sherloc (09022015). Collection method: clinical testing. Allele origin: germline.
Comment: This sequence change replaces isoleucine, which is neutral and non-polar, with methionine, which is neutral and non-polar, at codon 424 of the AHI1 protein (p.Ile424Met). This variant is present in population databases (rs752889085, gnomAD 0.002%). This variant has not been reported in the literature in individuals affected with AHI1-related conditions. ClinVar contains an entry for this variant (Variation ID: 1006326). Advanced modeling of protein sequence and biophysical properties (such as structural, functional, and spatial information, amino acid conservation, physicochemical variation, residue mobility, and thermodynamic stability) performed at Invitae indicates that this missense variant is not expected to disrupt AHI1 protein function. Algorithms developed to predict the effect of sequence changes on RNA splicing suggest that this variant may create or strengthen a splice site. In summary, the available evidence is currently insufficient to determine the role of this variant in disease. Therefore, it has been classified as a Variant of Uncertain Significance.